The following is an entry in ClinVar:

NM_014712.3(SETD1A):c.3553A>G (p.Thr1185Ala)

Gene: SETD1A (SET domain containing 1A, histone lysine methyltransferase; plus strand). Cytogenetic location: 16p11.2.
Variant type: single nucleotide variant.
Coding change: c.3553A>G on transcript NM_014712.3 (MANE Select); coding-DNA position 3553, A replaced by G.
Protein change: p.Thr1185Ala; replaces threonine 1185 with alanine.
Molecular consequence: missense variant.
Genome position (GRCh38, 1-based): chr16:30,979,339, A>G. VCF-style: chr16-30979339-A-G. GRCh37 (hg19) VCF-style: chr16-30990660-A-G.
Other names: short protein forms T1185A.
Identifiers: ClinVar variation 5008326 (VCV005008326.1).

ClinVar aggregate classification (germline): Uncertain significance (1 of 4 stars; one submission).

Submission:

GeneDx
Classification: Uncertain significance. Last evaluated: 2026-03-03. Review status: criteria provided, single submitter. Criteria: GeneDx Variant Classification Process June 2021. Collection method: clinical testing. Allele origin: germline.
Comment: Not observed at significant frequency in large population cohorts (gnomAD); In silico analysis suggests that this missense variant does not alter protein structure/function; Has not been previously published as pathogenic or benign to our knowledge; This variant is associated with the following publications: (PMID: 39340215)